The following is an entry in ClinVar:

NM_000278.5(PAX2):c.527G>C (p.Ser176Thr)

Gene: PAX2 (paired box 2; plus strand). Cytogenetic location: 10q24.31.
Variant type: single nucleotide variant.
Coding change: c.527G>C on transcript NM_000278.5 (MANE Select); coding-DNA position 527, G replaced by C.
Protein change: p.Ser176Thr; replaces serine 176 with threonine.
Molecular consequence: missense variant.
Genome position (GRCh38, 1-based): chr10:100,781,276, G>C. VCF-style: chr10-100781276-G-C. GRCh37 (hg19) VCF-style: chr10-102541033-G-C.
Other names: c.620G>C, p.Ser207Thr (NM_001304569.2); c.527G>C, p.Ser176Thr (NM_003987.5, NM_003988.5, NM_003989.5 and 1 more transcripts); short protein forms S207T, S176T.
Identifiers: ClinVar variation 1987873 (VCV001987873.4), dbSNP rs201925042, ClinGen allele CA5650757.
Genomic context (GRCh38, chr10:100,781,276, plus strand): 5'-TGATGCCATTTCCTCCTTCCTCTCATCCAGTTCCCAGCACGGCCTCCCCTCCTGTTTCCA[G>C]CGCCTCCAATGACCCAGTGGGATCCTACTCCATCAATGGGATCCTGGGGATTCCTCGCTC-3'
Protein context (NP_000269.3, residues 166-186): VPSTASPPVS[Ser176Thr]ASNDPVGSYS

ClinVar aggregate classification (germline): Uncertain significance (1 of 4 stars; one submission).

Conditions:
Focal segmental glomerulosclerosis 7 (FSGS7). Identifiers: Orphanet 656, MedGen C4014925, MONDO:0014451, OMIM 616002.
Renal coloboma syndrome (PAPRS). Also called: COLOBOMA OF OPTIC NERVE WITH RENAL DISEASE; OPTIC COLOBOMA, VESICOURETERAL REFLUX, AND RENAL ANOMALIES; OPTIC NERVE COLOBOMA WITH RENAL DISEASE; RENAL-COLOBOMA SYNDROME WITH MACULAR ABNORMALITIES; PAPILLORENAL SYNDROME WITH MILD OCULAR ABNORMALITIES; CONGENITAL ANOMALIES OF THE KIDNEY AND URINARY TRACT WITH OR WITHOUT OCULAR ABNORMALITIES. Identifiers: Orphanet 1475, MedGen C1852759, MONDO:0007352, OMIM 120330.

Allele frequency attached by ClinVar (database versions not stated): gnomAD 0.00001; ExAC 0.00005; 1000 Genomes Project 30x 0.00016; 1000 Genomes Project 0.00020.
gnomAD v4.1: 26 of 1,613,910 alleles (0.0016%); highest among the groups gnomAD compares: South Asian, 0.026%; no homozygotes.

Submission:

Labcorp Genetics (formerly Invitae), Labcorp
Classification: Uncertain significance for Renal coloboma syndrome; Focal segmental glomerulosclerosis 7. Last evaluated: 2022-10-23. Review status: criteria provided, single submitter. Criteria: Invitae Variant Classification Sherloc (09022015). Collection method: clinical testing. Allele origin: germline.
Comment: This variant is present in population databases (rs201925042, gnomAD 0.03%). In summary, the available evidence is currently insufficient to determine the role of this variant in disease. Therefore, it has been classified as a Variant of Uncertain Significance. Experimental studies and prediction algorithms are not available or were not evaluated, and the functional significance of this variant is currently unknown. This variant has not been reported in the literature in individuals affected with PAX2-related conditions. This sequence change replaces serine, which is neutral and polar, with threonine, which is neutral and polar, at codon 176 of the PAX2 protein (p.Ser176Thr).